The following is an entry in ClinVar:

ClinVar aggregate classification (germline): Uncertain significance (1 of 4 stars; one submission).

Conditions:
Hereditary cancer-predisposing syndrome. Also called: Tumor predisposition; Hereditary neoplastic syndrome; Hereditary Cancer Syndrome; Neoplastic Syndromes, Hereditary. Identifiers: Orphanet 140162, MedGen C0027672, MeSH D009386, MONDO:0015356.

Submission:

Ambry Genetics
Classification: Uncertain significance for Hereditary cancer-predisposing syndrome. Last evaluated: 2025-03-17. Review status: criteria provided, single submitter. Criteria: Ambry Variant Classification Scheme 2023. Collection method: clinical testing. Allele origin: germline.
Comment: The p.N874H variant (also known as c.2620A>C), located in coding exon 20 of the POLD1 gene, results from an A to C substitution at nucleotide position 2620. The asparagine at codon 874 is replaced by histidine, an amino acid with similar properties. This amino acid position is conserved. In addition, this alteration is predicted to be tolerated by in silico analysis. Based on the available evidence, the clinical significance of this variant remains unclear.

NM_002691.4(POLD1):c.2620A>C (p.Asn874His)

Gene: POLD1 (DNA polymerase delta 1, catalytic subunit; plus strand). Cytogenetic location: 19q13.33.
Variant type: single nucleotide variant.
Coding change: c.2620A>C on transcript NM_002691.4 (MANE Select); coding-DNA position 2620, A replaced by C.
Protein change: p.Asn874His; replaces asparagine 874 with histidine.
Molecular consequence: missense variant. On other transcripts: non-coding transcript variant (1).
Genome position (GRCh38, 1-based): chr19:50,415,493, A>C. VCF-style: chr19-50415493-A-C. GRCh37 (hg19) VCF-style: chr19-50918750-A-C.
Other names: c.2620A>C, p.Asn874His (NM_001256849.1); c.2698A>C, p.Asn900His (NM_001308632.1); short protein forms N874H, N900H.
Identifiers: ClinVar variation 3935541 (VCV003935541.1).